The following is an entry in ClinVar:

ClinVar aggregate classification (germline): Pathogenic. Review status: criteria provided, multiple submitters, no conflicts (2 of 4 stars). 3 submissions from 3 submitters: Pathogenic (3). Last evaluated 2026-04-25.

Conditions:
CEP290-related ciliopathy. Also called: CEP290 ciliopathy. Identifiers: MedGen CN305601, MONDO:0100451.
Meckel-Gruber syndrome. Also called: Dysencephalia splachnocystica; DYSENCEPHALIA SPLANCHNOCYSTICA; GRUBER SYNDROME. Identifiers: Orphanet 564, MedGen C0265215, MONDO:0018921.
Joubert syndrome. Also called: Familial aplasia of the vermis; JOUBERT-BOLTSHAUSER SYNDROME. Identifiers: Orphanet 475, MedGen C5979921, MONDO:0018772.
Nephronophthisis. Also called: Juvenile Nephronophthisis. Identifiers: Orphanet 655, MedGen C0687120, MONDO:0019005, HP:0000090.

Allele frequency attached by ClinVar (database versions not stated): gnomAD exomes below 0.00001; ExAC 0.00001.
gnomAD v4.1: 1 of 1,608,560 alleles (0.000062%); highest among the groups gnomAD compares: Admixed American, 0.0017%; no homozygotes.

Submissions (3):

Myriad Genetics, Inc.
Classification: Pathogenic for CEP290-related ciliopathy. Last evaluated: 2026-04-25. Review status: criteria provided, single submitter. Criteria: Myriad Autosomal Dominant, Autosomal Recessive and X-Linked Classification Criteria (2023). Collection method: clinical testing. Allele origin: unknown.
Comment: NM_025114.3(CEP290):c.2911G>T(E971*) is expected to be pathogenic in the context of CEP290-related disorders. This variant is predicted to lead to an abnormal or absent protein product due to the creation of a premature termination codon in CEP290, a gene where loss-of-function variants are known to be pathogenic. Please note: this variant was assessed in the context of healthy population screening.

Labcorp Genetics (formerly Invitae), Labcorp
Classification: Pathogenic for Joubert syndrome; Meckel-Gruber syndrome; Nephronophthisis. Last evaluated: 2022-04-06. Review status: criteria provided, single submitter. Criteria: Invitae Variant Classification Sherloc (09022015). Collection method: clinical testing. Allele origin: germline.
Comment: This sequence change creates a premature translational stop signal (p.Glu971*) in the CEP290 gene. It is expected to result in an absent or disrupted protein product. Loss-of-function variants in CEP290 are known to be pathogenic (PMID: 16909394, 17345604, 20690115). This variant is present in population databases (rs780805963, gnomAD 0.003%). This variant has not been reported in the literature in individuals affected with CEP290-related conditions. ClinVar contains an entry for this variant (Variation ID: 498014). Algorithms developed to predict the effect of sequence changes on RNA splicing suggest that this variant may disrupt the consensus splice site. For these reasons, this variant has been classified as Pathogenic.

Eurofins Ntd Llc (ga)
Classification: Pathogenic. Last evaluated: 2016-10-27. Review status: criteria provided, single submitter. Criteria: EGL Classification Definitions 2015. Collection method: clinical testing. Allele origin: germline. Observed: 1 variant allele, 1 heterozygote.

Literature cited by the submitters: PubMed 16909394 (cited by Labcorp Genetics (formerly Invitae), Labcorp); PubMed 17345604 (cited by Labcorp Genetics (formerly Invitae), Labcorp); PubMed 20690115 (cited by Labcorp Genetics (formerly Invitae), Labcorp).

NM_025114.4(CEP290):c.2911G>T (p.Glu971Ter)

Gene: CEP290 (centrosomal protein 290; minus strand). Cytogenetic location: 12q21.32.
Variant type: single nucleotide variant.
Coding change: c.2911G>T on transcript NM_025114.4 (MANE Select); coding-DNA position 2911, G replaced by T.
Protein change: p.Glu971Ter; replaces glutamic acid 971 with a stop codon.
Molecular consequence: nonsense.
Genome position (GRCh38, 1-based): chr12:88,102,918, C>A on the plus strand (G>T on the coding strand, the complement: CEP290 is on the minus strand). VCF-style: chr12-88102918-C-A. GRCh37 (hg19) VCF-style: chr12-88496695-C-A.
Other names: short protein forms E971*.
Identifiers: ClinVar variation 498014 (VCV000498014.11), dbSNP rs780805963, ClinGen allele CA6712241.